The following is an entry in ClinVar:

NM_015450.3(POT1):c.1630A>G (p.Met544Val)

Gene: POT1 (protection of telomeres 1; minus strand). Cytogenetic location: 7q31.33.
Variant type: single nucleotide variant.
Coding change: c.1630A>G on transcript NM_015450.3 (MANE Select); coding-DNA position 1630, A replaced by G.
Protein change: p.Met544Val; replaces methionine 544 with valine.
Molecular consequence: missense variant. On other transcripts: non-coding transcript variant (3).
Genome position (GRCh38, 1-based): chr7:124,827,270, T>C on the plus strand (A>G on the coding strand, the complement: POT1 is on the minus strand). VCF-style: chr7-124827270-T-C. GRCh37 (hg19) VCF-style: chr7-124467324-T-C.
Other names: c.1237A>G, p.Met413Val (NM_001042594.2); short protein forms M544V, M413V.
Identifiers: ClinVar variation 486136 (VCV000486136.14), dbSNP rs762424988, ClinGen allele CA4465028.
Genomic context (GRCh38, chr7:124,827,270, plus strand): 5'-TTACAGAATCCATGAGATAGGCTTCTAGTACTCCTGTTCCATCATCAAGTGTAAAGGTCA[T>C]AACAAACACATATTGGAGGGGTACAATACCCAGTGCTAGTGAAGGAAAAAAAGATCAAAC-3'
Protein context (NP_056265.2, residues 534-554): GIVPLQYVFV[Met544Val]TFTLDDGTGV

ClinVar aggregate classification (germline): Uncertain significance. Review status: criteria provided, multiple submitters, no conflicts (2 of 4 stars). 2 submissions from 2 submitters: Uncertain significance (2). Last evaluated 2025-12-26.

Conditions:
Tumor predisposition syndrome 3 (TPDS3). Also called: Glioma susceptibility 9; LONG TELOMERE SYNDROME, POT1-RELATED; POT1 Tumor Predisposition; Melanoma, cutaneous malignant, susceptibility to, 10. Identifiers: Orphanet 618, MedGen C4014476, MONDO:0014368, OMIM 615848.
Hereditary cancer-predisposing syndrome. Also called: Hereditary neoplastic syndrome; Hereditary Cancer Syndrome; Neoplastic Syndromes, Hereditary; Tumor predisposition. Identifiers: Orphanet 140162, MedGen C0027672, MeSH D009386, MONDO:0015356.

Allele frequency attached by ClinVar (database versions not stated): gnomAD 0.00001; gnomAD exomes 0.00001 and 0.00002; TOPMed 0.00001; ExAC 0.00003.
gnomAD v4.1: 20 of 1,600,336 alleles (0.0012%); highest among the groups gnomAD compares: Admixed American, 0.0034%; no homozygotes.

Submissions (2):

Labcorp Genetics (formerly Invitae), Labcorp
Classification: Uncertain significance for Tumor predisposition syndrome 3. Last evaluated: 2025-12-26. Review status: criteria provided, single submitter. Criteria: Invitae Variant Classification Sherloc (09022015). Collection method: clinical testing. Allele origin: germline.
Comment: This sequence change replaces methionine, which is neutral and non-polar, with valine, which is neutral and non-polar, at codon 544 of the POT1 protein (p.Met544Val). This variant is present in population databases (rs762424988, gnomAD 0.005%). This variant has not been reported in the literature in individuals affected with POT1-related conditions. ClinVar contains an entry for this variant (Variation ID: 486136). Invitae Evidence Modeling of protein sequence and biophysical properties (such as structural, functional, and spatial information, amino acid conservation, physicochemical variation, residue mobility, and thermodynamic stability) indicates that this missense variant is not expected to disrupt POT1 protein function with a negative predictive value of 80%. In summary, the available evidence is currently insufficient to determine the role of this variant in disease. Therefore, it has been classified as a Variant of Uncertain Significance.

Ambry Genetics
Classification: Uncertain significance for Hereditary cancer-predisposing syndrome. Last evaluated: 2024-06-03. Review status: criteria provided, single submitter. Criteria: Ambry Variant Classification Scheme 2023. Collection method: clinical testing. Allele origin: germline.
Comment: The p.M544V variant (also known as c.1630A>G), located in coding exon 13 of the POT1 gene, results from an A to G substitution at nucleotide position 1630. The methionine at codon 544 is replaced by valine, an amino acid with highly similar properties. This amino acid position is highly conserved in available vertebrate species. In addition, this alteration is predicted to be tolerated by in silico analysis. Since supporting evidence is limited at this time, the clinical significance of this alteration remains unclear.